The following is an entry in ClinVar:

ClinVar aggregate classification (germline): Uncertain significance (1 of 4 stars; one submission).

Conditions:
Renal cell carcinoma. Identifiers: Orphanet 217071, MedGen C0007134, MeSH D002292, MONDO:0005086, HP:0005584.

Allele frequency attached by ClinVar (database versions not stated): ExAC 0.00040.

Submission:

Labcorp Genetics (formerly Invitae), Labcorp
Classification: Uncertain significance for Renal cell carcinoma. Last evaluated: 2026-01-12. Review status: criteria provided, single submitter. Criteria: Invitae Variant Classification Sherloc (09022015). Collection method: clinical testing. Allele origin: germline.
Comment: This sequence change replaces cysteine, which is neutral and slightly polar, with tryptophan, which is neutral and slightly polar, at codon 541 of the MET protein (p.Cys541Trp). The frequency data for this variant in the population databases is considered unreliable, as metrics indicate poor data quality at this position in the gnomAD database. This variant has not been reported in the literature in individuals affected with MET-related conditions. ClinVar contains an entry for this variant (Variation ID: 1944249). Invitae Evidence Modeling of protein sequence and biophysical properties (such as structural, functional, and spatial information, amino acid conservation, physicochemical variation, residue mobility, and thermodynamic stability) indicates that this missense variant is expected to disrupt MET protein function with a positive predictive value of 80%. In summary, the available evidence is currently insufficient to determine the role of this variant in disease. Therefore, it has been classified as a Variant of Uncertain Significance.

NM_000245.4(MET):c.1623C>G (p.Cys541Trp)

Gene: MET (MET proto-oncogene, receptor tyrosine kinase; plus strand). Cytogenetic location: 7q31.2.
Variant type: single nucleotide variant.
Coding change: c.1623C>G on transcript NM_000245.4 (MANE Select); coding-DNA position 1623, C replaced by G.
Protein change: p.Cys541Trp; replaces cysteine 541 with tryptophan.
Molecular consequence: missense variant.
Genome position (GRCh38, 1-based): chr7:116,740,947, C>G. VCF-style: chr7-116740947-C-G. GRCh37 (hg19) VCF-style: chr7-116381001-C-G.
Other names: c.1623C>G, p.Cys541Trp (NM_001127500.3, NM_001324401.3); c.333C>G, p.Cys111Trp (NM_001324402.2); short protein forms C111W, C541W.
Identifiers: ClinVar variation 1944249 (VCV001944249.5), dbSNP rs769649681, ClinGen allele CA4448210.